The following is an entry in ClinVar:

NM_001367624.2(ZNF469):c.4447G>T (p.Ala1483Ser)

Gene: ZNF469 (zinc finger protein 469; plus strand). Cytogenetic location: 16q24.2.
Variant type: single nucleotide variant.
Coding change: c.4447G>T on transcript NM_001367624.2 (MANE Select); coding-DNA position 4447, G replaced by T.
Protein change: p.Ala1483Ser; replaces alanine 1483 with serine.
Molecular consequence: missense variant.
Genome position (GRCh38, 1-based): chr16:88,431,917, G>T. VCF-style: chr16-88431917-G-T. GRCh37 (hg19) VCF-style: chr16-88498325-G-T.
Other names: NM_001127464.1:c.4363G>T; short protein forms A1483S.
Identifiers: ClinVar variation 126925 (VCV000126925.4), dbSNP rs273585620, ClinGen allele CA151289.
Genomic context (GRCh38, chr16:88,431,917, plus strand): 5'-AGATTCGACCCACCCCTCTATGGCAGCCTGTCTGCGAACAGGGACTCCGGTCTGCCGTTC[G>T]CATGTGCCGACCCTCCCCAGAAGACGGTGCCGTCAGATCCACCGTACCCCTCTTTTTTGC-3'
Protein context (NP_001354553.1, residues 1473-1493): SANRDSGLPF[Ala1483Ser]CADPPQKTVP

ClinVar aggregate classification (germline): Conflicting classifications of pathogenicity. Review status: criteria provided, conflicting classifications (1 of 4 stars). 3 submissions from 3 submitters: Uncertain significance (1); Likely benign (1). 1 of the submissions does not count toward it. Last evaluated 2025-10-22.

Conditions:
Cardiovascular phenotype. Identifiers: MedGen CN230736.
Keratoconus 1 (KTCN1). Identifiers: MedGen C1835677, MONDO:0007851, OMIM 148300.

gnomAD v4.1: 17 of 1,549,478 alleles (0.0011%); highest among the groups gnomAD compares: Non-Finnish European, 0.0015%; no homozygotes.

Submissions (3):

Women's Health and Genetics/Laboratory Corporation of America, LabCorp
Classification: Uncertain significance. Last evaluated: 2025-10-22. Review status: criteria provided, single submitter. Criteria: LabCorp Variant Classification Summary - May 2015. Collection method: clinical testing. Allele origin: germline.
Comment: Variant summary: ZNF469 c.4447G>T (p.Ala1483Ser) results in a conservative amino acid change in the encoded protein sequence. Algorithms developed to predict the effect of missense changes on protein structure and function are either unavailable or do not agree on the potential impact of this missense change. The variant allele was found at a frequency of 1.1e-05 in 1542574 control chromosomes (gnomAD). This frequency is not significantly higher than estimated for disease-causing variants in ZNF469, allowing no conclusion about variant significance. c.4447G>T has been observed in an individual affected with keratoconus (Lechner_2014). This report does not provide unequivocal conclusions about association of the variant with Brittle cornea syndrome 1. To our knowledge, no experimental evidence demonstrating an impact on protein function has been reported. The following publication has been ascertained in the context of this evaluation (PMID: 24895405). ClinVar contains an entry for this variant (Variation ID: 126925). Based on the evidence outlined above, the variant was classified as uncertain significance.

Ambry Genetics
Classification: Likely benign for Cardiovascular phenotype. Last evaluated: 2024-11-19. Review status: criteria provided, single submitter. Criteria: Ambry Variant Classification Scheme 2023. Collection method: clinical testing. Allele origin: germline.

Willoughby Group, Queen's University Belfast
Classification: Pathogenic for Keratoconus 1. Review status: no assertion criteria provided. Collection method: not provided. Allele origin: germline. Not counted in ClinVar's aggregate classification.
ClinVar note: Converted during submission from pathogenic to Pathogenic.

Literature cited by the submitters: PubMed 24895405 (cited by Women's Health and Genetics/Laboratory Corporation of America, LabCorp and Ambry Genetics).